The following is an entry in ClinVar:

NM_201384.3(PLEC):c.1952T>A (p.Met651Lys)

Gene: PLEC (plectin; minus strand). Cytogenetic location: 8q24.3.
Variant type: single nucleotide variant.
Coding change: c.1952T>A on transcript NM_201384.3 (MANE Select); coding-DNA position 1952, T replaced by A.
Protein change: p.Met651Lys; replaces methionine 651 with lysine.
Molecular consequence: missense variant.
Genome position (GRCh38, 1-based): chr8:143,932,425, A>T on the plus strand (T>A on the coding strand, the complement: PLEC is on the minus strand). VCF-style: chr8-143932425-A-T. GRCh37 (hg19) VCF-style: chr8-145006593-A-T.
Other names: c.2033T>A, p.Met678Lys (NM_000445.5); c.1910T>A, p.Met637Lys (NM_201378.4); c.1886T>A, p.Met629Lys (NM_201379.3); c.2363T>A, p.Met788Lys (NM_201380.4); c.1856T>A, p.Met619Lys (NM_201381.3); c.1952T>A, p.Met651Lys (NM_201382.4); c.1964T>A, p.Met655Lys (NM_201383.3); short protein forms M629K, M651K, M788K, M678K, M619K, M637K, M655K.
Identifiers: ClinVar variation 852467 (VCV000852467.7), dbSNP rs1260484783, ClinGen allele CA372577967.
Genomic context (GRCh38, chr8:143,932,425, plus strand): 5'-GCTGTGGGGTTCAGGGCAGCTGGGCCACCGCTCACCGAGTAGCTCTCCTTCTTGGCGGTC[A>T]TGTTGGTGTTGCGGTCGCTCCAGTCGAAGCCCACCTCCTCCTCCTCCTTCTCATTCAGCC-3'
Protein context (NP_958786.1, residues 641-661): GFDWSDRNTN[Met651Lys]TAKKESYSAL

ClinVar aggregate classification (germline): Uncertain significance (1 of 4 stars; one submission).

Conditions:
Autosomal recessive limb-girdle muscular dystrophy type 2Q (LGMDR17). Also called: MUSCULAR DYSTROPHY, LIMB-GIRDLE, AUTOSOMAL RECESSIVE 17. Identifiers: Orphanet 254361, MedGen C3150989, MONDO:0013390, OMIM 613723.
Epidermolysis bullosa simplex 5B, with muscular dystrophy (EBS5B). Also called: Epidermolysis bullosa simplex with muscular dystrophy; EPIDERMOLYSIS BULLOSA SIMPLEX AND LIMB-GIRDLE MUSCULAR DYSTROPHY. Identifiers: Orphanet 257, MedGen C2931072, MONDO:0009181, OMIM 226670.
Epidermolysis bullosa simplex, Ogna type (EBS5A). Also called: Pidermolysis bullosa simplex 5A, Ogna type; EPIDERMOLYSIS BULLOSA SIMPLEX 5A, OGNA TYPE. Identifiers: Orphanet 79401, MedGen C0432317, MONDO:0007555, OMIM 131950.
Epidermolysis bullosa simplex 5C, with pyloric atresia (EBS5C). Also called: PLEC1-Related Epidermolysis Bullosa with Pyloric Atresia; Epidermolysis bullosa simplex with pyloric atresia; PLEC-Related Epidermolysis Bullosa with Pyloric Atresia. Identifiers: Orphanet 158684, MedGen C2677349, MONDO:0012807, OMIM 612138.
Epidermolysis bullosa simplex with nail dystrophy (EBS5D). Identifiers: MedGen C4225309, MONDO:0014661, OMIM 616487.

Submission:

Labcorp Genetics (formerly Invitae), Labcorp
Classification: Uncertain significance for Autosomal recessive limb-girdle muscular dystrophy type 2Q; Epidermolysis bullosa simplex, Ogna type; Epidermolysis bullosa simplex with nail dystrophy; Epidermolysis bullosa simplex 5C, with pyloric atresia; Epidermolysis bullosa simplex 5B, with muscular dystrophy. Last evaluated: 2019-12-27. Review status: criteria provided, single submitter. Criteria: Invitae Variant Classification Sherloc (09022015). Collection method: clinical testing. Allele origin: germline.
Comment: In summary, the available evidence is currently insufficient to determine the role of this variant in disease. Therefore, it has been classified as a Variant of Uncertain Significance. Algorithms developed to predict the effect of missense changes on protein structure and function are either unavailable or do not agree on the potential impact of this missense change (SIFT: "Deleterious"; PolyPhen-2: "Not Available"; Align-GVGD: "Class C65"). This variant has not been reported in the literature in individuals with PLEC-related conditions. This variant is not present in population databases (ExAC no frequency). This sequence change replaces methionine with lysine at codon 678 of the PLEC protein (p.Met678Lys). The methionine residue is highly conserved and there is a moderate physicochemical difference between methionine and lysine.